The following is an entry in ClinVar:

NM_031935.3(HMCN1):c.4752C>A (p.Asp1584Glu)

Gene: HMCN1 (hemicentin 1; plus strand). Cytogenetic location: 1q31.1.
Variant type: single nucleotide variant.
Coding change: c.4752C>A on transcript NM_031935.3 (MANE Select); coding-DNA position 4752, C replaced by A.
Protein change: p.Asp1584Glu; replaces aspartic acid 1584 with glutamic acid.
Molecular consequence: missense variant.
Genome position (GRCh38, 1-based): chr1:186,015,280, C>A. VCF-style: chr1-186015280-C-A. GRCh37 (hg19) VCF-style: chr1-185984412-C-A.
Other names: short protein forms D1584E.
Identifiers: ClinVar variation 2103913 (VCV002103913.4), dbSNP rs144362862, ClinGen allele CA343885054.

ClinVar aggregate classification (germline): Uncertain significance (1 of 4 stars; one submission).

Submission:

Labcorp Genetics (formerly Invitae), Labcorp
Classification: Uncertain significance. Last evaluated: 2024-10-22. Review status: criteria provided, single submitter. Criteria: Invitae Variant Classification Sherloc (09022015). Collection method: clinical testing. Allele origin: germline.
Comment: This sequence change replaces aspartic acid, which is acidic and polar, with glutamic acid, which is acidic and polar, at codon 1584 of the HMCN1 protein (p.Asp1584Glu). This variant is not present in population databases (gnomAD no frequency). This variant has not been reported in the literature in individuals affected with HMCN1-related conditions. ClinVar contains an entry for this variant (Variation ID: 2103913). An algorithm developed to predict the effect of missense changes on protein structure and function (PolyPhen-2) suggests that this variant is likely to be disruptive. In summary, the available evidence is currently insufficient to determine the role of this variant in disease. Therefore, it has been classified as a Variant of Uncertain Significance.